The following is an entry in ClinVar:

NM_001271.4(CHD2):c.3569A>C (p.Glu1190Ala)

Gene: CHD2 (chromodomain helicase DNA binding protein 2; plus strand). Cytogenetic location: 15q26.1.
Variant type: single nucleotide variant.
Coding change: c.3569A>C on transcript NM_001271.4 (MANE Select); coding-DNA position 3569, A replaced by C.
Protein change: p.Glu1190Ala; replaces glutamic acid 1190 with alanine.
Molecular consequence: missense variant.
Genome position (GRCh38, 1-based): chr15:92,992,972, A>C. VCF-style: chr15-92992972-A-C. GRCh37 (hg19) VCF-style: chr15-93536202-A-C.
Other names: short protein forms E1190A.
Identifiers: ClinVar variation 3610681 (VCV003610681.2).
Genomic context (GRCh38, chr15:92,992,972, plus strand): 5'-TGAAGCGCCTGGGTGAACTGATCCACAACAGCTGTGTGTCAGCAATGCAGGAATACGAAG[A>C]GCAGCTGAAAGAAAATGCCAGCGAGGGTAAGCGAAGTTGGCTTTAGTGAGTCTTCGCAAC-3'
Protein context (NP_001262.3, residues 1180-1200): SCVSAMQEYE[Glu1190Ala]QLKENASEGK

ClinVar aggregate classification (germline): Uncertain significance (1 of 4 stars; one submission).

Conditions:
Developmental and epileptic encephalopathy 94 (DEE94). Also called: CHD2-Related Neurodevelopmental Disorders; Epileptic encephalopathy, childhood-onset. Identifiers: Orphanet 1942, Orphanet 2382, MedGen C3809278, MONDO:0014150, OMIM 615369.

Submission:

Labcorp Genetics (formerly Invitae), Labcorp
Classification: Uncertain significance for Developmental and epileptic encephalopathy 94. Last evaluated: 2025-02-12. Review status: criteria provided, single submitter. Criteria: Invitae Variant Classification Sherloc (09022015). Collection method: clinical testing. Allele origin: germline.
Comment: This sequence change replaces glutamic acid, which is acidic and polar, with alanine, which is neutral and non-polar, at codon 1190 of the CHD2 protein (p.Glu1190Ala). This variant is not present in population databases (gnomAD no frequency). This variant has not been reported in the literature in individuals affected with CHD2-related conditions. Invitae Evidence Modeling of protein sequence and biophysical properties (such as structural, functional, and spatial information, amino acid conservation, physicochemical variation, residue mobility, and thermodynamic stability) indicates that this missense variant is not expected to disrupt CHD2 protein function with a negative predictive value of 95%. In summary, the available evidence is currently insufficient to determine the role of this variant in disease. Therefore, it has been classified as a Variant of Uncertain Significance.